The following is an entry in ClinVar:

ClinVar aggregate classification (germline): Benign. Review status: criteria provided, multiple submitters, no conflicts (2 of 4 stars). 3 submissions from 3 submitters: Benign (2). 1 of the submissions does not count toward it. Last evaluated 2019-12-31.

Conditions:
MEPE-related disorder. Also called: MEPE-related condition.

Allele frequency attached by ClinVar (database versions not stated): gnomAD exomes 0.00254; ExAC 0.00320; ESP Exome Variant Server 0.00838; gnomAD 0.00892 and 0.00956; TOPMed 0.01006; 1000 Genomes Project 0.01378; 1000 Genomes Project 30x 0.01483.
gnomAD v4.1: 2,762 of 1,613,962 alleles (0.17%); highest among the groups gnomAD compares: African/African-American, 3.1%; 36 homozygotes.

Submissions (3):

Labcorp Genetics (formerly Invitae), Labcorp
Classification: Benign. Last evaluated: 2019-12-31. Review status: criteria provided, single submitter. Criteria: Invitae Variant Classification Sherloc (09022015). Collection method: clinical testing. Allele origin: germline.

Breakthrough Genomics
Classification: Benign. Review status: criteria provided, single submitter. Criteria: ACMG Guidelines, 2015. Collection method: not provided. Allele origin: germline. Inheritance: Unknown mechanism. Affected: yes.

PreventionGenetics, part of Exact Sciences
Classification: Benign for MEPE-related condition. Last evaluated: 2019-08-13. Review status: no assertion criteria provided. Collection method: clinical testing. Allele origin: germline. Not counted in ClinVar's aggregate classification.
Comment: This variant is classified as benign based on ACMG/AMP sequence variant interpretation guidelines (Richards et al. 2015 PMID: 25741868, with internal and published modifications).

NM_020203.6(MEPE):c.1185C>G (p.Asn395Lys)

Genes: MEPE (matrix extracellular phosphoglycoprotein; plus strand), MEPE-AS1 (MEPE and IBSP antisense RNA 1; minus strand). Cytogenetic location: 4q22.1.
Variant type: single nucleotide variant.
Coding change: c.1185C>G on transcript NM_020203.6 (MANE Select); coding-DNA position 1185, C replaced by G.
Protein change: p.Asn395Lys; replaces asparagine 395 with lysine.
Molecular consequence: missense variant.
Genome position (GRCh38, 1-based): chr4:87,846,053, C>G. VCF-style: chr4-87846053-C-G. GRCh37 (hg19) VCF-style: chr4-88767205-C-G.
Other names: c.1185C>G, p.Asn395Lys (NM_001184694.3); c.846C>G, p.Asn282Lys (NM_001184695.4, NM_001184696.2, NM_001184697.2); c.1278C>G, p.Asn426Lys (NM_001291183.2); short protein forms N395K, N426K, N282K.
Identifiers: ClinVar variation 767959 (VCV000767959.7), dbSNP rs78166851, ClinGen allele CA3002802.